The following is an entry in ClinVar:

ClinVar aggregate classification (germline): Uncertain significance (1 of 4 stars; one submission).

Conditions:
Nephronophthisis 15 (NPHP15). Identifiers: Orphanet 3156, MedGen C3541853, MONDO:0013917, OMIM 614845.

Allele frequency attached by ClinVar (database versions not stated): gnomAD exomes below 0.00001; TOPMed below 0.00001.
gnomAD v4.1: 3 of 1,614,224 alleles (0.00019%); highest among the groups gnomAD compares: Admixed American, 0.0017%; no homozygotes.

Submission:

Labcorp Genetics (formerly Invitae), Labcorp
Classification: Uncertain significance for Nephronophthisis 15. Last evaluated: 2022-07-30. Review status: criteria provided, single submitter. Criteria: Invitae Variant Classification Sherloc (09022015). Collection method: clinical testing. Allele origin: germline.
Comment: This sequence change replaces alanine, which is neutral and non-polar, with proline, which is neutral and non-polar, at codon 1143 of the CEP164 protein (p.Ala1143Pro). This variant is present in population databases (no rsID available, gnomAD 0.003%). This variant has not been reported in the literature in individuals affected with CEP164-related conditions. Algorithms developed to predict the effect of missense changes on protein structure and function are either unavailable or do not agree on the potential impact of this missense change (SIFT: "Deleterious"; PolyPhen-2: "Benign"; Align-GVGD: "Class C0"). In summary, the available evidence is currently insufficient to determine the role of this variant in disease. Therefore, it has been classified as a Variant of Uncertain Significance.

NM_014956.5(CEP164):c.3427G>C (p.Ala1143Pro)

Gene: CEP164 (centrosomal protein 164; plus strand). Cytogenetic location: 11q23.3.
Variant type: single nucleotide variant.
Coding change: c.3427G>C on transcript NM_014956.5 (MANE Select); coding-DNA position 3427, G replaced by C.
Protein change: p.Ala1143Pro; replaces alanine 1143 with proline.
Molecular consequence: missense variant.
Genome position (GRCh38, 1-based): chr11:117,397,239, G>C. VCF-style: chr11-117397239-G-C. GRCh37 (hg19) VCF-style: chr11-117267955-G-C.
Other names: c.3436G>C, p.Ala1146Pro (NM_001271933.2); short protein forms A1146P, A1143P.
Identifiers: ClinVar variation 2069171 (VCV002069171.1), dbSNP rs1238809140, ClinGen allele CA382736591.